The following is an entry in ClinVar:

ClinVar aggregate classification (germline): Uncertain significance. Review status: criteria provided, multiple submitters, no conflicts (2 of 4 stars). 2 submissions from 2 submitters: Uncertain significance (2). Last evaluated 2025-03-02.

Conditions:
Hereditary nonpolyposis colorectal neoplasms. Identifiers: MedGen C0009405, MeSH D003123.
Hereditary cancer-predisposing syndrome. Also called: Neoplastic Syndromes, Hereditary; Tumor predisposition; Hereditary Cancer Syndrome; Hereditary neoplastic syndrome. Identifiers: Orphanet 140162, MedGen C0027672, MeSH D009386, MONDO:0015356.

Submissions (2):

Labcorp Genetics (formerly Invitae), Labcorp
Classification: Uncertain significance for Hereditary nonpolyposis colorectal neoplasms. Last evaluated: 2025-03-02. Review status: criteria provided, single submitter. Criteria: Invitae Variant Classification Sherloc (09022015). Collection method: clinical testing. Allele origin: germline.
Comment: This sequence change replaces glutamic acid, which is acidic and polar, with glutamine, which is neutral and polar, at codon 741 of the PMS2 protein (p.Glu741Gln). The frequency data for this variant in the population databases (gnomAD) is considered unreliable due to the presence of homologous sequence, such as pseudogenes or paralogs, in the genome. This missense change has been observed in individual(s) with breast cancer (PMID: 35449176). ClinVar contains an entry for this variant (Variation ID: 1787943). Invitae Evidence Modeling incorporating data from in vitro experimental studies (internal data) indicates that this missense variant is not expected to disrupt PMS2 function with a negative predictive value of 95%. In summary, the available evidence is currently insufficient to determine the role of this variant in disease. Therefore, it has been classified as a Variant of Uncertain Significance.

Ambry Genetics
Classification: Uncertain significance for Hereditary cancer-predisposing syndrome. Last evaluated: 2022-10-05. Review status: criteria provided, single submitter. Criteria: Ambry Variant Classification Scheme 2023. Collection method: clinical testing. Allele origin: germline.
Comment: The p.E741Q variant (also known as c.2221G>C), located in coding exon 13 of the PMS2 gene, results from a G to C substitution at nucleotide position 2221. The glutamic acid at codon 741 is replaced by glutamine, an amino acid with highly similar properties. This amino acid position is conserved. In addition, the in silico prediction for this alteration is inconclusive. Since supporting evidence is limited at this time, the clinical significance of this alteration remains unclear.

Literature cited by the submitters: PubMed 35449176 (cited by Labcorp Genetics (formerly Invitae), Labcorp).

NM_000535.7(PMS2):c.2221G>C (p.Glu741Gln)

Gene: PMS2 (PMS1 homolog 2, mismatch repair system component; minus strand). Cytogenetic location: 7p22.1.
Variant type: single nucleotide variant.
Coding change: c.2221G>C on transcript NM_000535.7 (MANE Select); coding-DNA position 2221, G replaced by C.
Protein change: p.Glu741Gln; replaces glutamic acid 741 with glutamine.
Molecular consequence: missense variant. On other transcripts: non-coding transcript variant (1).
Genome position (GRCh38, 1-based): chr7:5,978,650, C>G on the plus strand (G>C on the coding strand, the complement: PMS2 is on the minus strand). VCF-style: chr7-5978650-C-G. GRCh37 (hg19) VCF-style: chr7-6018281-C-G.
Other names: c.1816G>C, p.Glu606Gln (NM_001018040.1, NM_001322003.2, NM_001322004.2 and 15 more transcripts); c.2065G>C, p.Glu689Gln (NM_001322006.2, NM_001406870.1); c.1903G>C, p.Glu635Gln (NM_001322007.2, NM_001322008.2, NM_001406876.1 and 1 more transcripts); c.1660G>C, p.Glu554Gln (NM_001322010.2, NM_001406906.1, NM_001406907.1); c.1288G>C, p.Glu430Gln (NM_001322011.2, NM_001322012.2); c.1648G>C, p.Glu550Gln (NM_001322013.2, NM_001406908.1, NM_001406909.1); c.2221G>C, p.Glu741Gln (NM_001322014.2); c.1912G>C, p.Glu638Gln (NM_001322015.2, NM_001406875.1, NM_001406877.1 and 5 more transcripts); and 14 more; short protein forms E340Q, E586Q, E685Q, E579Q, E583Q, E629Q, E633Q, E675Q.
Identifiers: ClinVar variation 1787943 (VCV001787943.3), dbSNP rs2128682979, ClinGen allele CA366736750.